The following is an entry in ClinVar:

ClinVar aggregate classification (germline): Uncertain significance. Review status: criteria provided, multiple submitters, no conflicts (2 of 4 stars). 2 submissions from 2 submitters: Uncertain significance (2). Last evaluated 2025-11-04.

Conditions:
Inborn genetic diseases. Identifiers: MedGen C0950123, MeSH D030342.

Allele frequency attached by ClinVar (database versions not stated): ExAC 0.00001; gnomAD 0.00003; TOPMed 0.00008.

Submissions (2):

Labcorp Genetics (formerly Invitae), Labcorp
Classification: Uncertain significance. Last evaluated: 2025-11-04. Review status: criteria provided, single submitter. Criteria: Invitae Variant Classification Sherloc (09022015). Collection method: clinical testing. Allele origin: germline.
Comment: This sequence change replaces threonine, which is neutral and polar, with isoleucine, which is neutral and non-polar, at codon 389 of the MBD4 protein (p.Thr389Ile). This variant is present in population databases (rs774850855, gnomAD 0.01%). This variant has not been reported in the literature in individuals affected with MBD4-related conditions. ClinVar contains an entry for this variant (Variation ID: 2407336). An algorithm developed to predict the effect of missense changes on protein structure and function (PolyPhen-2) suggests that this variant is likely to be tolerated. In summary, the available evidence is currently insufficient to determine the role of this variant in disease. Therefore, it has been classified as a Variant of Uncertain Significance.

Ambry Genetics
Classification: Uncertain significance for Inborn genetic diseases. Last evaluated: 2022-04-13. Review status: criteria provided, single submitter. Criteria: Ambry Variant Classification Scheme 2023. Collection method: clinical testing. Allele origin: germline.

NM_001276270.2(MBD4):c.1166C>T (p.Thr389Ile)

Gene: MBD4 (methyl-CpG binding domain 4, DNA glycosylase; minus strand). Cytogenetic location: 3q21.3.
Variant type: single nucleotide variant.
Coding change: c.1166C>T on transcript NM_001276270.2 (MANE Select); coding-DNA position 1166, C replaced by T.
Protein change: p.Thr389Ile; replaces threonine 389 with isoleucine.
Molecular consequence: missense variant. On other transcripts: intron variant (1).
Genome position (GRCh38, 1-based): chr3:129,436,478, G>A on the plus strand (C>T on the coding strand, the complement: MBD4 is on the minus strand). VCF-style: chr3-129436478-G-A. GRCh37 (hg19) VCF-style: chr3-129155321-G-A.
Other names: c.1166C>T, p.Thr389Ile (NM_001276271.2, NM_001276272.2, NM_003925.3); c.247+1330C>T (NM_001276273.2); short protein forms T389I.
Identifiers: ClinVar variation 2407336 (VCV002407336.4), dbSNP rs774850855, ClinGen allele CA2605406.
Genomic context (GRCh38, chr3:129,436,478, plus strand): 5'-AATAGTGCTTGAAAGCACTGGATACCTTGAAATATTTTCTCACCAGTGAAGTCTTTCCTG[G>A]TTGGTGAGCAGTTGTTGTCCATTTCAGAGCCACGTTTTAAAATGTCAGTATGCAAATGTT-3'
Protein context (NP_001263199.1, residues 379-399): GSEMDNNCSP[Thr389Ile]RKDFTEDTIP